The following is an entry in ClinVar:

NM_003982.4(SLC7A7):c.1288_1307delinsATCC (p.Phe430fs)

Gene: SLC7A7 (solute carrier family 7 member 7; minus strand). Cytogenetic location: 14q11.2.
Variant type: Indel.
Coding change: c.1288_1307delinsATCC on transcript NM_003982.4 (MANE Select); coding-DNA positions 1288 to 1307, TTCCTGGTGGCTGTTCCACT replaced by ATCC.
Protein change: p.Phe430fs; shifts the reading frame from phenylalanine 430.
Molecular consequence: frameshift variant.
Genome position (GRCh38, 1-based): chr14:22,774,055-22,774,074, AGTGGAACAGCCACCAGGAA replaced by GGAT on the plus strand (TTCCTGGTGGCTGTTCCACT replaced by ATCC on the coding strand, the reverse complement: SLC7A7 is on the minus strand). VCF-style: chr14-22774055-AGTGGAACAGCCACCAGGAA-GGAT. GRCh37 (hg19) VCF-style: chr14-23243264-AGTGGAACAGCCACCAGGAA-GGAT.
Other names: c.1288_1307delinsATCC, p.Phe430fs (NM_001126105.3, NM_001126106.4); c.1288_1307del20insATCC, p.Phe430Ilefs (NM_001126106.2); c.1288_1307delinsATCC (NM_001126106.2); short protein forms F430fs.
Identifiers: ClinVar variation 3010805 (VCV003010805.4), dbSNP rs2501833361, ClinGen allele CA2740097711.
Genomic context (GRCh38, chr14:22,774,055, plus strand): 5'-AAGGGCAGGCCTGAGAGGGCAATGGCAATGCCGATGAGGGAGTTGATAGTATCACTGTAA[AGTGGAACAGCCACCAGGAA>GGAT]GATGGTGCAGAGGCAGAAGACAATCGGGAAGAAAACGCTGAGCTAAGGGCACAGGAAACA-3'

ClinVar aggregate classification (germline): Pathogenic/Likely pathogenic. Review status: criteria provided, multiple submitters, no conflicts (2 of 4 stars). 2 submissions from 2 submitters: Pathogenic (1); Likely pathogenic (1). Last evaluated 2024-05-26.

Conditions:
Lysinuric protein intolerance (LPI). Identifiers: Orphanet 470, MedGen C0268647, MONDO:0009109, OMIM 222700.

Submissions (2):

Fulgent Genetics
Classification: Likely pathogenic for Lysinuric protein intolerance. Last evaluated: 2024-05-26. Review status: criteria provided, single submitter. Criteria: ACMG Guidelines, 2015. Collection method: clinical testing. Allele origin: germline.

Labcorp Genetics (formerly Invitae), Labcorp
Classification: Pathogenic for Lysinuric protein intolerance. Last evaluated: 2020-02-02. Review status: criteria provided, single submitter. Criteria: Invitae Variant Classification Sherloc (09022015). Collection method: clinical testing. Allele origin: germline.
Comment: For these reasons, this variant has been classified as Pathogenic. This variant disrupts the C-terminus of the SLC7A7 protein. Other variant(s) that disrupt this region (p.Arg468*) have been determined to be pathogenic (PMID: 18716612). This suggests that variants that disrupt this region of the protein are likely to be causative of disease. This variant has not been reported in the literature in individuals with SLC7A7-related conditions. This variant is not present in population databases (ExAC no frequency). This sequence change results in a frameshift in the SLC7A7 gene (p.Phe430Ilefs*84). While this is not anticipated to result in nonsense mediated decay, it is expected to disrupt the last 82 amino acids of the SLC7A7 protein and extend the protein by an additional 2 amino acids.

Literature cited by the submitters: PubMed 18716612 (cited by Labcorp Genetics (formerly Invitae), Labcorp).